The following is an entry in ClinVar:

ClinVar aggregate classification (germline): Benign/Likely benign. Review status: criteria provided, multiple submitters, no conflicts (2 of 4 stars). 3 submissions from 3 submitters: Benign (1); Likely benign (2). Last evaluated 2026-07-30.

Conditions:
Hereditary cancer-predisposing syndrome. Also called: Tumor predisposition; Neoplastic Syndromes, Hereditary; Hereditary Cancer Syndrome; Hereditary neoplastic syndrome. Identifiers: Orphanet 140162, MedGen C0027672, MeSH D009386, MONDO:0015356.
Hereditary pheochromocytoma and paraganglioma. Also called: Hereditary paragangliomas and pheochromocytomas; Hereditary Paraganglioma-Pheochromocytoma Syndromes; Hereditary pheochromocytoma-paraganglioma. Identifiers: Orphanet 29072, MedGen C4274332, MONDO:0017366.

Allele frequency attached by ClinVar (database versions not stated): TOPMed 0.00002; ExAC 0.00002; gnomAD 0.00001; gnomAD exomes 0.00002 and 0.00005.
gnomAD v4.1: 68 of 1,613,768 alleles (0.0042%); highest among the groups gnomAD compares: Non-Finnish European, 0.0058%; no homozygotes.

Submissions (3):

Myriad Genetics, Inc.
Classification: Benign for Hereditary pheochromocytoma and paraganglioma. Last evaluated: 2026-07-30. Review status: criteria provided, single submitter. Criteria: Myriad Autosomal Dominant, Autosomal Recessive and X-Linked Classification Criteria (2023). Collection method: clinical testing. Allele origin: unknown.
Comment: This variant is considered benign. This variant is a silent/synonymous amino acid change and it is not expected to impact splicing.

Labcorp Genetics (formerly Invitae), Labcorp
Classification: Likely benign for Hereditary pheochromocytoma and paraganglioma. Last evaluated: 2025-11-17. Review status: criteria provided, single submitter. Criteria: Invitae Variant Classification Sherloc (09022015). Collection method: clinical testing. Allele origin: germline.

Ambry Genetics
Classification: Likely benign for Hereditary cancer-predisposing syndrome. Last evaluated: 2024-01-30. Review status: criteria provided, single submitter. Criteria: Ambry Variant Classification Scheme 2023. Collection method: clinical testing. Allele origin: germline.

NM_017849.4(TMEM127):c.411T>A (p.Val137=)

Gene: TMEM127 (transmembrane protein 127; minus strand). Cytogenetic location: 2q11.2.
Variant type: single nucleotide variant.
Coding change: c.411T>A on transcript NM_017849.4 (MANE Select); coding-DNA position 411, T replaced by A.
Protein change: p.Val137=; no amino-acid change (valine 137 retained).
Molecular consequence: synonymous variant.
Genome position (GRCh38, 1-based): chr2:96,254,114, A>T on the plus strand (T>A on the coding strand, the complement: TMEM127 is on the minus strand). VCF-style: chr2-96254114-A-T. GRCh37 (hg19) VCF-style: chr2-96919852-A-T.
Other names: c.411T>A, p.Val137= (NM_001193304.3).
Identifiers: ClinVar variation 532535 (VCV000532535.16), dbSNP rs760099422, ClinGen allele CA1777306.
Genomic context (GRCh38, chr2:96,254,114, plus strand): 5'-CTGGGCCAAGATGAGTTCAGAAGCCCAATAAGAAAAGCCAATGACGGTGGCACACTGCAG[A>T]ACTAGGAGACAGAGGGACAGCACAGAAGGGGAATTAGTGAGCACTCCACAGCTAGGATGC-3'
Protein context (NP_060319.1, residues 127-147): RRYAFAHILT[Val137=]LQCATVIGFS